The following is an entry in ClinVar:

ClinVar aggregate classification (germline): Uncertain significance. Review status: criteria provided, multiple submitters, no conflicts (2 of 4 stars). 2 submissions from 2 submitters: Uncertain significance (2). Last evaluated 2025-01-30.

Conditions:
Nephrolithiasis/nephrocalcinosis. Identifiers: MedGen CN580796.
Familial hypocalciuric hypercalcemia (FHH). Also called: Familial benign hypercalcemia. Identifiers: Orphanet 405, MedGen C1809471, MONDO:0018458.
Autosomal dominant hypocalcemia 1 (HYPOC1). Also called: HYPOCALCEMIA, FAMILIAL. Identifiers: MedGen C3715128, MONDO:0011013, OMIM 601198.

Allele frequency attached by ClinVar (database versions not stated): gnomAD exomes below 0.00001; gnomAD 0.00003.
gnomAD v4.1: 4 of 1,614,170 alleles (0.00025%); no homozygotes.

Submissions (2):

Labcorp Genetics (formerly Invitae), Labcorp
Classification: Uncertain significance for Familial hypocalciuric hypercalcemia; Autosomal dominant hypocalcemia 1. Last evaluated: 2025-01-30. Review status: criteria provided, single submitter. Criteria: Invitae Variant Classification Sherloc (09022015). Collection method: clinical testing. Allele origin: germline.
Comment: This sequence change replaces threonine, which is neutral and polar, with alanine, which is neutral and non-polar, at codon 263 of the CASR protein (p.Thr263Ala). This variant is present in population databases (no rsID available, gnomAD 0.01%). This variant has not been reported in the literature in individuals affected with CASR-related conditions. ClinVar contains an entry for this variant (Variation ID: 570929). An algorithm developed to predict the effect of missense changes on protein structure and function (PolyPhen-2) suggests that this variant is likely to be tolerated. In summary, the available evidence is currently insufficient to determine the role of this variant in disease. Therefore, it has been classified as a Variant of Uncertain Significance.

Ambry Genetics
Classification: Uncertain significance for Nephrolithiasis/nephrocalcinosis. Last evaluated: 2024-02-07. Review status: criteria provided, single submitter. Criteria: Ambry Variant Classification Scheme 2023. Collection method: clinical testing. Allele origin: germline.
Comment: The p.T263A variant (also known as c.787A>G), located in coding exon 3 of the CASR gene, results from an A to G substitution at nucleotide position 787. The threonine at codon 263 is replaced by alanine, an amino acid with similar properties. This amino acid position is highly conserved in available vertebrate species. In addition, the in silico prediction for this alteration is inconclusive. In addition, the evidence for the gene-disease relationship is limited for pancreatitis and cancer predisposition; therefore, the clinical significance of this variant for CASR-related pancreatitis and cancer predisposition is unclear. Based on the available evidence, the clinical significance of this alteration remains unclear.

NM_000388.4(CASR):c.787A>G (p.Thr263Ala)

Gene: CASR (calcium sensing receptor; plus strand). Cytogenetic location: 3q21.1.
Variant type: single nucleotide variant.
Coding change: c.787A>G on transcript NM_000388.4 (MANE Select); coding-DNA position 787, A replaced by G.
Protein change: p.Thr263Ala; replaces threonine 263 with alanine.
Molecular consequence: missense variant.
Genome position (GRCh38, 1-based): chr3:122,261,822, A>G. VCF-style: chr3-122261822-A-G. GRCh37 (hg19) VCF-style: chr3-121980669-A-G.
Other names: c.787A>G, p.Thr263Ala (NM_001178065.2); short protein forms T263A.
Identifiers: ClinVar variation 570929 (VCV000570929.11), dbSNP rs1161925579, ClinGen allele CA354151356.